The following is an entry in ClinVar:

ClinVar aggregate classification (germline): Pathogenic (1 of 4 stars; one submission).

Conditions:
Cone-rod dystrophy 2 (CORD2). Also called: CONE-ROD RETINAL DYSTROPHY; Cone-rod retinal dystrophy 2. Identifiers: Orphanet 1872, MedGen C3489532, MONDO:0007362, OMIM 120970.
Leber congenital amaurosis 7 (LCA7). Identifiers: Orphanet 65, MedGen C3151192, MONDO:0013449, OMIM 613829.

Submission:

Labcorp Genetics (formerly Invitae), Labcorp
Classification: Pathogenic for Cone-rod dystrophy 2; Leber congenital amaurosis 7. Last evaluated: 2023-04-05. Review status: criteria provided, single submitter. Criteria: Invitae Variant Classification Sherloc (09022015). Collection method: clinical testing. Allele origin: germline.
Comment: For these reasons, this variant has been classified as Pathogenic. This variant disrupts a region of the CRX protein in which other variant(s) (p.Tyr221*) have been determined to be pathogenic (PMID: 29555955, 29641573, 31630094; Invitae). This suggests that this is a clinically significant region of the protein, and that variants that disrupt it are likely to be disease-causing. ClinVar contains an entry for this variant (Variation ID: 1496447). This premature translational stop signal has been observed in individuals with autosomal dominant CRX-related conditions (PMID: 17964524, 25270190; Invitae). This variant is not present in population databases (gnomAD no frequency). This sequence change creates a premature translational stop signal (p.Tyr208*) in the CRX gene. While this is not anticipated to result in nonsense mediated decay, it is expected to disrupt the last 92 amino acid(s) of the CRX protein.

Literature cited by the submitters: PubMed 29555955; PubMed 29641573; PubMed 31630094; PubMed 17964524; PubMed 25270190.

NM_000554.6(CRX):c.624T>G (p.Tyr208Ter)

Gene: CRX (cone-rod homeobox; plus strand). Cytogenetic location: 19q13.33.
Variant type: single nucleotide variant.
Coding change: c.624T>G on transcript NM_000554.6 (MANE Select); coding-DNA position 624, T replaced by G.
Protein change: p.Tyr208Ter; replaces tyrosine 208 with a stop codon.
Molecular consequence: nonsense.
Genome position (GRCh38, 1-based): chr19:47,839,691, T>G. VCF-style: chr19-47839691-T-G. GRCh37 (hg19) VCF-style: chr19-48342948-T-G.
Other names: short protein forms Y208*.
Identifiers: ClinVar variation 1496447 (VCV001496447.6), dbSNP rs2123743395, ClinGen allele CA406631308.